The following is an entry in ClinVar:

ClinVar aggregate classification (germline): Uncertain significance (1 of 4 stars; one submission).

Conditions:
Pyruvate carboxylase deficiency. Also called: Pyruvate Carboxylase Deficiency Disease; ATAXIA WITH LACTIC ACIDOSIS II; LEIGH NECROTIZING ENCEPHALOPATHY DUE TO PYRUVATE CARBOXYLASE DEFICIENCY; LEIGH SYNDROME DUE TO PYRUVATE CARBOXYLASE DEFICIENCY; PC DEFICIENCY. Identifiers: Orphanet 3008, MedGen C0034341, MONDO:0009949, OMIM 266150.

Submission:

Labcorp Genetics (formerly Invitae), Labcorp
Classification: Uncertain significance for Pyruvate carboxylase deficiency. Last evaluated: 2021-05-31. Review status: criteria provided, single submitter. Criteria: Invitae Variant Classification Sherloc (09022015). Collection method: clinical testing. Allele origin: germline.
Comment: Algorithms developed to predict the effect of missense changes on protein structure and function are either unavailable or do not agree on the potential impact of this missense change (SIFT: "Deleterious"; PolyPhen-2: "Benign"; Align-GVGD: "Class C0"). In summary, the available evidence is currently insufficient to determine the role of this variant in disease. Therefore, it has been classified as a Variant of Uncertain Significance. This variant has not been reported in the literature in individuals with PC-related conditions. ClinVar contains an entry for this variant (Variation ID: 970186). This variant is not present in population databases (ExAC no frequency). This sequence change replaces histidine with aspartic acid at codon 350 of the PC protein (p.His350Asp). The histidine residue is moderately conserved and there is a moderate physicochemical difference between histidine and aspartic acid.

NM_001040716.2(PC):c.1048C>G (p.His350Asp)

Gene: PC (pyruvate carboxylase; minus strand). Cytogenetic location: 11q13.2.
Variant type: single nucleotide variant.
Coding change: c.1048C>G on transcript NM_001040716.2 (MANE Select); coding-DNA position 1048, C replaced by G.
Protein change: p.His350Asp; replaces histidine 350 with aspartic acid.
Molecular consequence: missense variant.
Genome position (GRCh38, 1-based): chr11:66,866,324, G>C on the plus strand (C>G on the coding strand, the complement: PC is on the minus strand). VCF-style: chr11-66866324-G-C. GRCh37 (hg19) VCF-style: chr11-66633795-G-C.
Other names: c.1048C>G, p.His350Asp (NM_000920.4, NM_022172.3); short protein forms H350D.
Identifiers: ClinVar variation 970186 (VCV000970186.9), dbSNP rs866715653, ClinGen allele CA381499661.